The following is an entry in ClinVar:

ClinVar aggregate classification (germline): Uncertain significance (1 of 4 stars; one submission).

Allele frequency attached by ClinVar (database versions not stated): gnomAD exomes below 0.00001.

Submission:

Labcorp Genetics (formerly Invitae), Labcorp
Classification: Uncertain significance. Last evaluated: 2022-01-19. Review status: criteria provided, single submitter. Criteria: Invitae Variant Classification Sherloc (09022015). Collection method: clinical testing. Allele origin: germline.
Comment: In summary, the available evidence is currently insufficient to determine the role of this variant in disease. Therefore, it has been classified as a Variant of Uncertain Significance. Algorithms developed to predict the effect of missense changes on protein structure and function (SIFT, PolyPhen-2, Align-GVGD) all suggest that this variant is likely to be tolerated. This variant has not been reported in the literature in individuals affected with POLE-related conditions. This variant is not present in population databases (gnomAD no frequency). This sequence change replaces cysteine, which is neutral and slightly polar, with tyrosine, which is neutral and polar, at codon 112 of the POLE protein (p.Cys112Tyr).

NM_006231.4(POLE):c.335G>A (p.Cys112Tyr)

Gene: POLE (DNA polymerase epsilon, catalytic subunit; minus strand). Cytogenetic location: 12q24.33.
Variant type: single nucleotide variant.
Coding change: c.335G>A on transcript NM_006231.4 (MANE Select); coding-DNA position 335, G replaced by A.
Protein change: p.Cys112Tyr; replaces cysteine 112 with tyrosine.
Molecular consequence: missense variant.
Genome position (GRCh38, 1-based): chr12:132,680,042, C>T on the plus strand (G>A on the coding strand, the complement: POLE is on the minus strand). VCF-style: chr12-132680042-C-T. GRCh37 (hg19) VCF-style: chr12-133256628-C-T.
Other names: short protein forms C112Y.
Identifiers: ClinVar variation 2087959 (VCV002087959.4), dbSNP rs2542190823, ClinGen allele CA387368394.